The following is an entry in ClinVar:

NM_002185.5(IL7R):c.1082T>C (p.Phe361Ser)

Gene: IL7R (interleukin 7 receptor; plus strand). Cytogenetic location: 5p13.2.
Variant type: single nucleotide variant.
Coding change: c.1082T>C on transcript NM_002185.5 (MANE Select); coding-DNA position 1082, T replaced by C.
Protein change: p.Phe361Ser; replaces phenylalanine 361 with serine.
Molecular consequence: missense variant. On other transcripts: non-coding transcript variant (1).
Genome position (GRCh38, 1-based): chr5:35,876,188, T>C. VCF-style: chr5-35876188-T-C. GRCh37 (hg19) VCF-style: chr5-35876290-T-C.
Other names: c.1082T>C (NM_002185.2); short protein forms F361S.
Identifiers: ClinVar variation 1042505 (VCV001042505.7), dbSNP rs200061456, ClinGen allele CA3232196.

ClinVar aggregate classification (germline): Uncertain significance. Review status: criteria provided, multiple submitters, no conflicts (2 of 4 stars). 2 submissions from 2 submitters: Uncertain significance (2). Last evaluated 2024-11-13.

Conditions:
Immunodeficiency 104. Also called: SCID, AUTOSOMAL RECESSIVE, T CELL-NEGATIVE, B CELL-POSITIVE, NK CELL-POSITIVE; Severe Combined Immune Deficiency, Autosomal Recessive, TCell -Negative, B Cell-Positive, NK Cell-Positive, IL7R-Related; Severe combined immunodeficiency, autosomal recessive, T cell-negative, B cell-positive, NK cell-positive; IMMUNODEFICIENCY 104, SEVERE COMBINED. Identifiers: MedGen C5676890, MONDO:0012163, OMIM 608971.
Inborn genetic diseases. Identifiers: MedGen C0950123, MeSH D030342.

Allele frequency attached by ClinVar (database versions not stated): TOPMed 0.00001; 1000 Genomes Project 30x 0.00016; 1000 Genomes Project 0.00020.
gnomAD v4.1: 11 of 1,614,122 alleles (0.00068%); highest among the groups gnomAD compares: Middle Eastern, 0.016%; no homozygotes.

Submissions (2):

Ambry Genetics
Classification: Uncertain significance for Inborn genetic diseases. Last evaluated: 2024-11-13. Review status: criteria provided, single submitter. Criteria: Ambry Variant Classification Scheme 2023. Collection method: clinical testing. Allele origin: germline.

Labcorp Genetics (formerly Invitae), Labcorp
Classification: Uncertain significance for Immunodeficiency 104. Last evaluated: 2022-03-14. Review status: criteria provided, single submitter. Criteria: Invitae Variant Classification Sherloc (09022015). Collection method: clinical testing. Allele origin: germline.
Comment: This sequence change replaces phenylalanine, which is neutral and non-polar, with serine, which is neutral and polar, at codon 361 of the IL7R protein (p.Phe361Ser). This variant is present in population databases (rs200061456, gnomAD 0.03%). This variant has not been reported in the literature in individuals affected with IL7R-related conditions. ClinVar contains an entry for this variant (Variation ID: 1042505). Algorithms developed to predict the effect of missense changes on protein structure and function output the following: SIFT: "Deleterious"; PolyPhen-2: "Benign"; Align-GVGD: "Class C25". The serine amino acid residue is found in multiple mammalian species, which suggests that this missense change does not adversely affect protein function. In summary, the available evidence is currently insufficient to determine the role of this variant in disease. Therefore, it has been classified as a Variant of Uncertain Significance.